The following is an entry in ClinVar:

ClinVar aggregate classification (germline): Uncertain significance. Review status: criteria provided, multiple submitters, no conflicts (2 of 4 stars). 9 submissions from 9 submitters: Uncertain significance (9). Last evaluated 2026-01-26.

Conditions:
Spermatogenic failure 28. Identifiers: MedGen C4748117, MONDO:0054732, OMIM 618086.
Premature ovarian failure 15. Identifiers: MedGen C4748170, MONDO:0054862, OMIM 618096.
Hereditary cancer-predisposing syndrome. Also called: Tumor predisposition; Hereditary Cancer Syndrome; Neoplastic Syndromes, Hereditary; Hereditary neoplastic syndrome. Identifiers: Orphanet 140162, MedGen C0027672, MeSH D009386, MONDO:0015356.
Fanconi anemia (FA). Also called: Fanconi's anemia. Identifiers: Orphanet 84, MedGen C0015625, MeSH D005199, MONDO:0019391.

Allele frequency attached by ClinVar (database versions not stated): gnomAD exomes 0.00010 and 0.00014; ExAC 0.00011; TOPMed 0.00011; gnomAD 0.00015; ESP Exome Variant Server 0.00046.
gnomAD v4.1: 227 of 1,610,346 alleles (0.014%); highest among the groups gnomAD compares: Admixed American, 0.022%; 1 homozygote.

Submissions (9):

Labcorp Genetics (formerly Invitae), Labcorp
Classification: Uncertain significance for Fanconi anemia. Last evaluated: 2026-01-26. Review status: criteria provided, single submitter. Criteria: Invitae Variant Classification Sherloc (09022015). Collection method: clinical testing. Allele origin: germline.
Comment: This sequence change replaces proline, which is neutral and non-polar, with leucine, which is neutral and non-polar, at codon 1331 of the FANCM protein (p.Pro1331Leu). This variant is present in population databases (rs149348098, gnomAD 0.02%). This variant has not been reported in the literature in individuals affected with FANCM-related conditions. ClinVar contains an entry for this variant (Variation ID: 452291). An algorithm developed to predict the effect of missense changes on protein structure and function (PolyPhen-2) suggests that this variant is likely to be tolerated. In summary, the available evidence is currently insufficient to determine the role of this variant in disease. Therefore, it has been classified as a Variant of Uncertain Significance.

Dasa
Classification: Uncertain significance. Last evaluated: 2025-11-11. Review status: criteria provided, single submitter. Criteria: DASA Assertion Criteria. Collection method: clinical testing. Allele origin: germline.
Comment: NM_020937.4(FANCM):c.3992C>T (p.Pro1331Leu) is a missense variant that results in the substitution of proline with leucine. This variant is rare in population databases. The currently available literature and clinical evidence are not sufficient to establish a definitive association between this variant and the reported condition. Therefore, this variant is classified as a variant of uncertain significance.

Quest Diagnostics Nichols Institute San Juan Capistrano
Classification: Uncertain significance. Last evaluated: 2025-05-05. Review status: criteria provided, single submitter. Criteria: Quest Diagnostics criteria. Collection method: clinical testing. Allele origin: unknown.
Comment: The FANCM c.3992C>T (p.Pro1331Leu) variant has been reported in individuals with breast cancer (PMID: 33471991 (2021), 36707629 (2023), see also LOVD), ovarian cancer (PMID: 28881617 (2017)), and an unspecified hereditary cancer (PMID: 32235514 (2020)). This variant has also been observed in reportedly unaffected individuals (PMID: 33471991 (2021), 36707629 (2023), see also LOVD). The frequency of this variant in the general population (Genome Aggregation Database) is uninformative in the assessment of its pathogenicity. Analysis of this variant using bioinformatics tools for the prediction of the effect of amino acid changes on protein structure and function yielded predictions that this variant is benign. Based on the available information, we are unable to determine the clinical significance of this variant.

GeneDx
Classification: Uncertain significance. Last evaluated: 2024-12-17. Review status: criteria provided, single submitter. Criteria: GeneDx Variant Classification Process June 2021. Collection method: clinical testing. Allele origin: germline. Affected: yes.
Comment: Observed in individuals with breast, ovarian, or colorectal cancer, as well as unaffected controls in breast cancer study (PMID: 27713038, 28881617, 33471991); In silico analysis supports that this missense variant has a deleterious effect on protein structure/function; This variant is associated with the following publications: (PMID: 27713038, 28881617, 33471991)

Blueprint Genetics
Classification: Uncertain significance. Last evaluated: 2024-10-07. Review status: criteria provided, single submitter. Criteria: ACMG Guidelines, 2015. Collection method: clinical testing. Allele origin: germline.

Fulgent Genetics
Classification: Uncertain significance for Spermatogenic failure 28; Premature ovarian failure 15. Last evaluated: 2022-02-07. Review status: criteria provided, single submitter. Criteria: ACMG Guidelines, 2015. Collection method: clinical testing. Allele origin: unknown.

Institute for Clinical Genetics, University Hospital TU Dresden, University Hospital TU Dresden
Classification: Uncertain significance. Last evaluated: 2021-11-03. Review status: criteria provided, single submitter. Criteria: ACMG Guidelines, 2015. Collection method: clinical testing. Allele origin: germline.

Sema4
Classification: Uncertain significance for Hereditary cancer-predisposing syndrome. Last evaluated: 2021-04-21. Review status: criteria provided, single submitter. Criteria: Sema4 Curation Guidelines. Collection method: curation. Allele origin: germline.
Comment: The FANCM c.3992C>T (p.P1331L) variant has not been reported in the literature to our knowledge. This variant was observed in 34/279748 chromosomes in the large and broad cohorts of the Genome Aggregation Database. The variant has been reported in Clinvar (Variation ID 452291). In silico tools suggest the impact of the variant on protein function to be inconclusive, although these predictions have not been confirmed by functional studies. The overall evidence is insufficient to meet ACMG/AMP criteria for classifying it as benign or pathogenic. Thus, the clinical significance of this variant is currently uncertain.

Breakthrough Genomics
Classification: Uncertain significance. Review status: criteria provided, single submitter. Criteria: ACMG Guidelines, 2015. Collection method: not provided. Allele origin: germline. Inheritance: Autosomal recessive inheritance. Affected: yes.

Literature cited by the submitters: PubMed 32235514 (cited by Quest Diagnostics Nichols Institute San Juan Capistrano); PubMed 36707629 (cited by Quest Diagnostics Nichols Institute San Juan Capistrano); PubMed 33471991 (cited by Quest Diagnostics Nichols Institute San Juan Capistrano); PubMed 28881617 (cited by Quest Diagnostics Nichols Institute San Juan Capistrano).

NM_020937.4(FANCM):c.3992C>T (p.Pro1331Leu)

Gene: FANCM (FA complementation group M; plus strand). Cytogenetic location: 14q21.2.
Variant type: single nucleotide variant.
Coding change: c.3992C>T on transcript NM_020937.4 (MANE Select); coding-DNA position 3992, C replaced by T.
Protein change: p.Pro1331Leu; replaces proline 1331 with leucine.
Molecular consequence: missense variant.
Genome position (GRCh38, 1-based): chr14:45,176,746, C>T. VCF-style: chr14-45176746-C-T. GRCh37 (hg19) VCF-style: chr14-45645949-C-T.
Other names: c.3992C>T (LRG_502t1); c.3914C>T, p.Pro1305Leu (NM_001308133.2); short protein forms P1331L, P1305L.
Identifiers: ClinVar variation 452291 (VCV000452291.26), dbSNP rs149348098, ClinGen allele CA7169609.
Genomic context (GRCh38, chr14:45,176,746, plus strand): 5'-CACTGAGTGCAGCAAAAAATGAAGAATTGTTATCTCCTGGTTATTCTCAGTTTTCTTTAC[C>T]AGTGCAAAAAAAAGTTATGAGTACACCACTCTCTAAATCAAACACATTGAACTCATTTTC-3'
Protein context (NP_065988.1, residues 1321-1341): LSPGYSQFSL[Pro1331Leu]VQKKVMSTPL